The following is an entry in ClinVar:

ClinVar aggregate classification (germline): Uncertain significance (1 of 4 stars; one submission).

Conditions:
Pulmonary hypertension, primary, 4. Identifiers: Orphanet 422, MedGen C3809198, MONDO:0014136, OMIM 615344.

Submission:

Labcorp Genetics (formerly Invitae), Labcorp
Classification: Uncertain significance for Pulmonary hypertension, primary, 4. Last evaluated: 2025-03-09. Review status: criteria provided, single submitter. Criteria: Invitae Variant Classification Sherloc (09022015). Collection method: clinical testing. Allele origin: germline.
Comment: This sequence change results in a frameshift in the KCNK3 gene (p.Leu147Alafs*491). While this is not anticipated to result in nonsense mediated decay, it is expected to disrupt the last 248 amino acid(s) of the KCNK3 protein and extend the protein by 242 additional amino acid residues. This variant is not present in population databases (gnomAD no frequency). This variant has not been reported in the literature in individuals affected with KCNK3-related conditions. Experimental studies and prediction algorithms are not available or were not evaluated, and the functional significance of this variant is currently unknown. In summary, the available evidence is currently insufficient to determine the role of this variant in disease. Therefore, it has been classified as a Variant of Uncertain Significance.

NM_002246.3(KCNK3):c.438dup (p.Leu147fs)

Gene: KCNK3 (potassium two pore domain channel subfamily K member 3; plus strand). Cytogenetic location: 2p23.3.
Variant type: Duplication.
Coding change: c.438dup on transcript NM_002246.3 (MANE Select); coding-DNA position 438, one base duplicated (G; older notation c.438dupG).
Protein change: p.Leu147fs; shifts the reading frame from leucine 147.
Molecular consequence: frameshift variant.
Genome position (GRCh38, 1-based): chr2:26,727,821, G duplicated; the last of 4 consecutive G bases (chr2:26,727,818-26,727,821); duplicating any one gives the same sequence. VCF-style (leftmost placement, unchanged base first): chr2-26727817-A-AG. GRCh37 (hg19) VCF-style: chr2-26950685-A-AG.
Other names: short protein forms L147fs.
Identifiers: ClinVar variation 3727664 (VCV003727664.2).